The following is an entry in ClinVar:

ClinVar aggregate classification (germline): Uncertain significance. Review status: criteria provided, single submitter (1 of 4 stars). 2 submissions from 2 submitters: Uncertain significance (1). 1 of the submissions does not count toward it. Last evaluated 2021-08-30.

Conditions:
Usher syndrome type 2A. Also called: USHER SYNDROME, TYPE IIA; RETINAL DISEASE IN USHER SYNDROME TYPE IIA, MODIFIER OF. Identifiers: Orphanet 231178, Orphanet 886, MedGen C1848634, MONDO:0010169, OMIM 276901.

Allele frequency attached by ClinVar (database versions not stated): gnomAD exomes below 0.00001.
gnomAD v4.1: 2 of 1,613,362 alleles (0.00012%); highest among the groups gnomAD compares: Non-Finnish European, 0.00017%; no homozygotes.

Submissions (2):

Labcorp Genetics (formerly Invitae), Labcorp
Classification: Uncertain significance. Last evaluated: 2021-08-30. Review status: criteria provided, single submitter. Criteria: Invitae Variant Classification Sherloc (09022015). Collection method: clinical testing. Allele origin: germline.
Comment: This sequence change replaces glycine with glutamic acid at codon 491 of the USH2A protein (p.Gly491Glu). The glycine residue is highly conserved and there is a moderate physicochemical difference between glycine and glutamic acid. This variant is not present in population databases (ExAC no frequency). This missense change has been observed in individuals with clinical features of USH2A-related conditions (Invitae). ClinVar contains an entry for this variant (Variation ID: 1022484). Algorithms developed to predict the effect of missense changes on protein structure and function (SIFT, PolyPhen-2, Align-GVGD) all suggest that this variant is likely to be disruptive. In summary, the available evidence is currently insufficient to determine the role of this variant in disease. Therefore, it has been classified as a Variant of Uncertain Significance.

Natera, Inc.
Classification: Uncertain significance for Usher syndrome type 2A. Last evaluated: 2025-01-27. Review status: no assertion criteria provided. Collection method: clinical testing. Allele origin: germline. Not counted in ClinVar's aggregate classification.

NM_206933.4(USH2A):c.1472G>A (p.Gly491Glu)

Gene: USH2A (usherin; minus strand). Cytogenetic location: 1q41.
Variant type: single nucleotide variant.
Coding change: c.1472G>A on transcript NM_206933.4 (MANE Select); coding-DNA position 1472, G replaced by A.
Protein change: p.Gly491Glu; replaces glycine 491 with glutamic acid.
Molecular consequence: missense variant.
Genome position (GRCh38, 1-based): chr1:216,323,552, C>T on the plus strand (G>A on the coding strand, the complement: USH2A is on the minus strand). VCF-style: chr1-216323552-C-T. GRCh37 (hg19) VCF-style: chr1-216496894-C-T.
Other names: c.1472G>A (NM_206933.2); c.1472G>A, p.Gly491Glu (NM_007123.6); short protein forms G491E.
Identifiers: ClinVar variation 1022484 (VCV001022484.7), dbSNP rs1310745557, ClinGen allele CA344909817.